The following is an entry in ClinVar:

NM_000520.6(HEXA):c.460-2A>G

Gene: HEXA (hexosaminidase subunit alpha; minus strand). Cytogenetic location: 15q23.
Variant type: single nucleotide variant.
Coding change: c.460-2A>G on transcript NM_000520.6 (MANE Select); the canonical splice acceptor site of the intron before coding-DNA position 460, A replaced by G.
Molecular consequence: splice acceptor variant.
Genome position (GRCh38, 1-based): chr15:72,353,180, T>C on the plus strand (A>G on the coding strand, the complement: HEXA is on the minus strand). VCF-style: chr15-72353180-T-C. GRCh37 (hg19) VCF-style: chr15-72645521-T-C.
Other names: c.493-2A>G (NM_001318825.2); c.460-2A>G (NM_000520.5).
Identifiers: ClinVar variation 2824079 (VCV002824079.4), dbSNP rs547177633, ClinGen allele CA7644987.

ClinVar aggregate classification (germline): Pathogenic/Likely pathogenic. Review status: criteria provided, multiple submitters, no conflicts (2 of 4 stars). 2 submissions from 2 submitters: Pathogenic (1); Likely pathogenic (1). Last evaluated 2025-09-22.

Conditions:
Tay-Sachs disease (TSD). Also called: HEXA DEFICIENCY; GM2 gangliosidosis, type 1; Hexosaminidase alpha-subunit deficiency (variant B); Sphingolipidosis, Tay-Sachs; Hexosaminidase A Deficiency; HEXA Disorders. Identifiers: Orphanet 845, MedGen C0039373, MONDO:0010100, OMIM 272800.

Allele frequency attached by ClinVar (database versions not stated): gnomAD exomes below 0.00001; TOPMed below 0.00001; ExAC 0.00001; gnomAD 0.00001; 1000 Genomes Project 30x 0.00016; 1000 Genomes Project 0.00020.
gnomAD v4.1: 3 of 1,570,424 alleles (0.00019%); highest among the groups gnomAD compares: Admixed American, 0.0017%; no homozygotes.

Submissions (2):

Natera, Inc.
Classification: Likely pathogenic for Tay-Sachs disease. Last evaluated: 2025-09-22. Review status: criteria provided, single submitter. Criteria: Natera Variant Classification Schema (03/2026). Collection method: clinical testing. Allele origin: germline.
Comment: The c.460-2A>G variant in HEXA is a canonical splice acceptor site variant predicted to affect pre-mRNA splicing, which may result in an abnormal transcript and altered protein product. This variant is expected to result in nonsense mediated decay, truncation, or a dysfunctional protein product. This variant is rare in the general population with a frequency below the threshold expected for the associated phenotype(s). Given the available evidence, this variant is classified as Likely Pathogenic.

Labcorp Genetics (formerly Invitae), Labcorp
Classification: Pathogenic for Tay-Sachs disease. Last evaluated: 2023-03-04. Review status: criteria provided, single submitter. Criteria: Invitae Variant Classification Sherloc (09022015). Collection method: clinical testing. Allele origin: germline.
Comment: This sequence change affects an acceptor splice site in intron 4 of the HEXA gene. It is expected to disrupt RNA splicing. Variants that disrupt the donor or acceptor splice site typically lead to a loss of protein function (PMID: 16199547), and loss-of-function variants in HEXA are known to be pathogenic (PMID: 1833974, 8490625). This variant is present in population databases (rs547177633, gnomAD 0.003%). Disruption of this splice site has been observed in individual(s) with Tay-Sachs disease (PMID: 1827945). Algorithms developed to predict the effect of sequence changes on RNA splicing suggest that this variant may disrupt the consensus splice site. For these reasons, this variant has been classified as Pathogenic.

Literature cited by the submitters: PubMed 16199547 (cited by Labcorp Genetics (formerly Invitae), Labcorp); PubMed 1833974 (cited by Labcorp Genetics (formerly Invitae), Labcorp); PubMed 8490625 (cited by Labcorp Genetics (formerly Invitae), Labcorp); PubMed 1827945 (cited by Labcorp Genetics (formerly Invitae), Labcorp).